The following is an entry in ClinVar:

ClinVar aggregate classification (germline): Pathogenic. Review status: criteria provided, multiple submitters, no conflicts (2 of 4 stars). 2 submissions from 2 submitters: Pathogenic (2). Last evaluated 2026-08-27.

Conditions:
Pheochromocytoma/paraganglioma syndrome 5. Also called: Paragangliomas 5; SDHA-Related Hereditary Paraganglioma-Pheochromocytoma Syndrome. Identifiers: Orphanet 29072, MedGen C3279992, MONDO:0013602, OMIM 614165.
Mitochondrial complex II deficiency, nuclear type 1. Also called: SUCCINATE CoQ REDUCTASE DEFICIENCY. Identifiers: Orphanet 3208, MedGen C5700310, MONDO:0100294, OMIM 252011.

Submissions (2):

Myriad Genetics, Inc.
Classification: Pathogenic for Pheochromocytoma/paraganglioma syndrome 5. Last evaluated: 2026-08-27. Review status: criteria provided, single submitter. Criteria: Myriad Autosomal Dominant, Autosomal Recessive and X-Linked Classification Criteria (2023). Collection method: clinical testing. Allele origin: unknown.
Comment: This variant is considered pathogenic. This variant occurs within a consensus splice junction and is predicted to result in abnormal mRNA splicing of either an out-of-frame exon or an in-frame exon necessary for protein stability and/or normal function. This variant has been reported in multiple individuals with clinical features of gene-specific disease [PMID: 32462735, 28384794, 26269449].

Labcorp Genetics (formerly Invitae), Labcorp
Classification: Pathogenic for Pheochromocytoma/paraganglioma syndrome 5; Mitochondrial complex II deficiency, nuclear type 1. Last evaluated: 2025-09-15. Review status: criteria provided, single submitter. Criteria: Invitae Variant Classification Sherloc (09022015). Collection method: clinical testing. Allele origin: germline.
Comment: This sequence change affects an acceptor splice site in intron 4 of the SDHA gene. It is expected to disrupt RNA splicing. Variants that disrupt the donor or acceptor splice site typically lead to a loss of protein function (PMID: 16199547), and loss-of-function variants in SDHA are known to be pathogenic (PMID: 22974104, 24781757). This variant is not present in population databases (gnomAD no frequency). Disruption of this splice site has been observed in individuals with clinical features of SDHA-related conditions (PMID: 26269449, 28384794). ClinVar contains an entry for this variant (Variation ID: 1067845). Algorithms developed to predict the effect of sequence changes on RNA splicing suggest that this variant may disrupt the consensus splice site. For these reasons, this variant has been classified as Pathogenic.

Literature cited by the submitters: PubMed 32462735 (cited by Myriad Genetics, Inc.); PubMed 28384794 (cited by Myriad Genetics, Inc. and Labcorp Genetics (formerly Invitae), Labcorp); PubMed 26269449 (cited by Myriad Genetics, Inc. and Labcorp Genetics (formerly Invitae), Labcorp); PubMed 16199547 (cited by Labcorp Genetics (formerly Invitae), Labcorp); PubMed 22974104 (cited by Labcorp Genetics (formerly Invitae), Labcorp); PubMed 24781757 (cited by Labcorp Genetics (formerly Invitae), Labcorp).

NM_004168.4(SDHA):c.457-2A>G

Gene: SDHA (succinate dehydrogenase complex flavoprotein subunit A; plus strand). Cytogenetic location: 5p15.33.
Variant type: single nucleotide variant.
Coding change: c.457-2A>G on transcript NM_004168.4 (MANE Select); the canonical splice acceptor site of the intron before coding-DNA position 457, A replaced by G.
Molecular consequence: splice acceptor variant.
Genome position (GRCh38, 1-based): chr5:225,881, A>G. VCF-style: chr5-225881-A-G. GRCh37 (hg19) VCF-style: chr5-225996-A-G.
Other names: c.457-2A>G (NM_001330758.2); c.313-2A>G (NM_001294332.2).
Identifiers: ClinVar variation 1067845 (VCV001067845.10), dbSNP rs2126549179, ClinGen allele CA359009773.